The following is an entry in ClinVar:

ClinVar aggregate classification (germline): Uncertain significance (1 of 4 stars; one submission).

Allele frequency attached by ClinVar (database versions not stated): gnomAD exomes below 0.00001.
gnomAD v4.1: 2 of 1,612,704 alleles (0.00012%); highest among the groups gnomAD compares: African/African-American, 0.0013%; no homozygotes.

Submission:

Labcorp Genetics (formerly Invitae), Labcorp
Classification: Uncertain significance. Last evaluated: 2023-11-12. Review status: criteria provided, single submitter. Criteria: Invitae Variant Classification Sherloc (09022015). Collection method: clinical testing. Allele origin: germline.
Comment: This sequence change replaces proline, which is neutral and non-polar, with alanine, which is neutral and non-polar, at codon 338 of the LAMA5 protein (p.Pro338Ala). This variant is not present in population databases (gnomAD no frequency). This variant has not been reported in the literature in individuals affected with LAMA5-related conditions. An algorithm developed to predict the effect of missense changes on protein structure and function (PolyPhen-2) suggests that this variant is likely to be disruptive. In summary, the available evidence is currently insufficient to determine the role of this variant in disease. Therefore, it has been classified as a Variant of Uncertain Significance.

NM_005560.6(LAMA5):c.1012C>G (p.Pro338Ala)

Gene: LAMA5 (laminin subunit alpha 5; minus strand). Cytogenetic location: 20q13.33.
Variant type: single nucleotide variant.
Coding change: c.1012C>G on transcript NM_005560.6 (MANE Select); coding-DNA position 1012, C replaced by G.
Protein change: p.Pro338Ala; replaces proline 338 with alanine.
Molecular consequence: missense variant.
Genome position (GRCh38, 1-based): chr20:62,346,973, G>C on the plus strand (C>G on the coding strand, the complement: LAMA5 is on the minus strand). VCF-style: chr20-62346973-G-C. GRCh37 (hg19) VCF-style: chr20-60922029-G-C.
Other names: short protein forms P338A.
Identifiers: ClinVar variation 2695219 (VCV002695219.3), dbSNP rs2516217700, ClinGen allele CA409574643.